The following is an entry in ClinVar:

NM_001458.5(FLNC):c.3100G>A (p.Gly1034Arg)

Gene: FLNC (filamin C; plus strand). Cytogenetic location: 7q32.1.
Variant type: single nucleotide variant.
Coding change: c.3100G>A on transcript NM_001458.5 (MANE Select); coding-DNA position 3100, G replaced by A.
Protein change: p.Gly1034Arg; replaces glycine 1034 with arginine.
Molecular consequence: missense variant.
Genome position (GRCh38, 1-based): chr7:128,844,174, G>A. VCF-style: chr7-128844174-G-A. GRCh37 (hg19) VCF-style: chr7-128484228-G-A.
Other names: c.3100G>A, p.Gly1034Arg (NM_001127487.2); short protein forms G1034R.
Identifiers: ClinVar variation 4529611 (VCV004529611.2).

ClinVar aggregate classification (germline): Uncertain significance (1 of 4 stars; one submission).

Submission:

GeneDx
Classification: Uncertain significance. Last evaluated: 2026-06-17. Review status: criteria provided, single submitter. Criteria: GeneDx Variant Classification Process June 2021. Collection method: clinical testing. Allele origin: germline.
Comment: Not observed at significant frequency in large population cohorts (gnomAD); In silico analysis supports that this missense variant has a deleterious effect on protein structure/function; Has not been previously published as pathogenic or benign to our knowledge